The following is an entry in ClinVar:

ClinVar aggregate classification (germline): Likely benign (0 of 4 stars; one submission).

Allele frequency attached by ClinVar (database versions not stated): 1000 Genomes Project 30x 0.03186; 1000 Genomes Project 0.03275; TOPMed 0.03829; ESP Exome Variant Server 0.04636; gnomAD 0.04937.
gnomAD v4.1: 82,500 of 1,607,752 alleles (5.1%); highest among the groups gnomAD compares: Middle Eastern, 6%; 2,468 homozygotes.

Submission:

Genetic Services Laboratory, University of Chicago
Classification: Likely benign for AllHighlyPenetrant. Review status: no assertion criteria provided. Collection method: clinical testing. Allele origin: germline. Inheritance: Autosomal recessive inheritance.
Comment: Likely benign based on allele frequency in 1000 Genomes Project or ESP global frequency and its presence in a patient with a rare or unrelated disease phenotype. NOT Sanger confirmed.

NM_021956.5(GRIK2):c.1281C>G (p.Ser427=)

Gene: GRIK2 (glutamate ionotropic receptor kainate type subunit 2; plus strand). Cytogenetic location: 6q16.3.
Variant type: single nucleotide variant.
Coding change: c.1281C>G on transcript NM_021956.5 (MANE Select); coding-DNA position 1281, C replaced by G.
Protein change: p.Ser427=; no amino-acid change (serine 427 retained).
Molecular consequence: synonymous variant.
Genome position (GRCh38, 1-based): chr6:101,818,447, C>G. VCF-style: chr6-101818447-C-G. GRCh37 (hg19) VCF-style: chr6-102266322-C-G.
Other names: c.1281C>G, p.Ser427= (NM_001166247.1, NM_175768.3).
Identifiers: ClinVar variation 129170 (VCV000129170.6), dbSNP rs34747916, ClinGen allele CA153007.